The following is an entry in ClinVar:

ClinVar aggregate classification (germline): Uncertain significance (1 of 4 stars; one submission).

Conditions:
Immunodeficiency 104. Also called: Severe combined immunodeficiency, autosomal recessive, T cell-negative, B cell-positive, NK cell-positive; SCID, AUTOSOMAL RECESSIVE, T CELL-NEGATIVE, B CELL-POSITIVE, NK CELL-POSITIVE; Severe Combined Immune Deficiency, Autosomal Recessive, TCell -Negative, B Cell-Positive, NK Cell-Positive, IL7R-Related; IMMUNODEFICIENCY 104, SEVERE COMBINED. Identifiers: MedGen C5676890, MONDO:0012163, OMIM 608971.

Submission:

Labcorp Genetics (formerly Invitae), Labcorp
Classification: Uncertain significance for Immunodeficiency 104. Last evaluated: 2026-01-05. Review status: criteria provided, single submitter. Criteria: Invitae Variant Classification Sherloc (09022015). Collection method: clinical testing. Allele origin: germline.
Comment: This sequence change replaces cysteine, which is neutral and slightly polar, with arginine, which is basic and polar, at codon 57 of the IL7R protein (p.Cys57Arg). This variant is not present in population databases (gnomAD no frequency). This variant has not been reported in the literature in individuals affected with IL7R-related conditions. ClinVar contains an entry for this variant (Variation ID: 939271). Invitae Evidence Modeling of protein sequence and biophysical properties (such as structural, functional, and spatial information, amino acid conservation, physicochemical variation, residue mobility, and thermodynamic stability) indicates that this missense variant is expected to disrupt IL7R protein function with a positive predictive value of 95%. In summary, the available evidence is currently insufficient to determine the role of this variant in disease. Therefore, it has been classified as a Variant of Uncertain Significance.

NM_002185.5(IL7R):c.169T>C (p.Cys57Arg)

Gene: IL7R (interleukin 7 receptor; plus strand). Cytogenetic location: 5p13.2.
Variant type: single nucleotide variant.
Coding change: c.169T>C on transcript NM_002185.5 (MANE Select); coding-DNA position 169, T replaced by C.
Protein change: p.Cys57Arg; replaces cysteine 57 with arginine.
Molecular consequence: missense variant. On other transcripts: non-coding transcript variant (1).
Genome position (GRCh38, 1-based): chr5:35,860,938, T>C. VCF-style: chr5-35860938-T-C. GRCh37 (hg19) VCF-style: chr5-35861040-T-C.
Other names: short protein forms C57R.
Identifiers: ClinVar variation 939271 (VCV000939271.10), dbSNP rs1759791006, ClinGen allele CA359426883.
Genomic context (GRCh38, chr5:35,860,938, plus strand): 5'-GACTACTCATTCTCATGCTATAGCCAGTTGGAAGTGAATGGATCGCAGCACTCACTGACC[T>C]GTGCTTTTGAGGACCCAGATGTCAACATCACCAATCTGGAATTTGAAATATGGTGAGGGA-3'
Protein context (NP_002176.2, residues 47-67): EVNGSQHSLT[Cys57Arg]AFEDPDVNIT